The following is an entry in ClinVar:

ClinVar aggregate classification (germline): Uncertain significance. Review status: criteria provided, multiple submitters, no conflicts (2 of 4 stars). 4 submissions from 4 submitters: Uncertain significance (3). 1 of the submissions does not count toward it. Last evaluated 2025-10-25.

Conditions:
Hereditary cancer-predisposing syndrome. Also called: Neoplastic Syndromes, Hereditary; Hereditary neoplastic syndrome; Tumor predisposition; Hereditary Cancer Syndrome. Identifiers: Orphanet 140162, MedGen C0027672, MeSH D009386, MONDO:0015356.
Ataxia-telangiectasia syndrome (AT). Also called: Ataxia telangiectasia (A-T); Cerebello-oculocutaneous telangiectasia; Immunodeficiency with ataxia telangiectasia; LOUIS-BAR SYNDROME; AT, COMPLEMENTATION GROUP C; ATAXIA-TELANGIECTASIA, FRESNO VARIANT. Identifiers: Orphanet 100, MedGen C0004135, MONDO:0008840, OMIM 208900.

Allele frequency attached by ClinVar (database versions not stated): gnomAD exomes below 0.00001; TOPMed 0.00001; ExAC 0.00001; gnomAD 0.00001.
gnomAD v4.1: 3 of 1,613,346 alleles (0.00019%); highest among the groups gnomAD compares: South Asian, 0.0011%; no homozygotes.

Submissions (4):

Labcorp Genetics (formerly Invitae), Labcorp
Classification: Uncertain significance for Ataxia-telangiectasia syndrome. Last evaluated: 2025-10-25. Review status: criteria provided, single submitter. Criteria: Invitae Variant Classification Sherloc (09022015). Collection method: clinical testing. Allele origin: germline.
Comment: This sequence change replaces methionine, which is neutral and non-polar, with threonine, which is neutral and polar, at codon 2616 of the ATM protein (p.Met2616Thr). This variant is present in population databases (rs762765902, gnomAD 0.003%). This variant has not been reported in the literature in individuals affected with ATM-related conditions. ClinVar contains an entry for this variant (Variation ID: 232313). Invitae Evidence Modeling of protein sequence and biophysical properties (such as structural, functional, and spatial information, amino acid conservation, physicochemical variation, residue mobility, and thermodynamic stability) has been performed for this missense variant. However, the output from this modeling did not meet the statistical confidence thresholds required to predict the impact of this variant on ATM protein function. In summary, the available evidence is currently insufficient to determine the role of this variant in disease. Therefore, it has been classified as a Variant of Uncertain Significance.

Ambry Genetics
Classification: Uncertain significance for Hereditary cancer-predisposing syndrome. Last evaluated: 2024-09-17. Review status: criteria provided, single submitter. Criteria: Ambry Variant Classification Scheme 2023. Collection method: clinical testing. Allele origin: germline.
Comment: The p.M2616T variant (also known as c.7847T>C), located in coding exon 52 of the ATM gene, results from a T to C substitution at nucleotide position 7847. The methionine at codon 2616 is replaced by threonine, an amino acid with similar properties. This amino acid position is highly conserved in available vertebrate species. In addition, this alteration is predicted to be deleterious by in silico analysis. Based on the available evidence, the clinical significance of this variant remains unclear.

Color Diagnostics, LLC DBA Color Health
Classification: Uncertain significance for Hereditary cancer-predisposing syndrome. Last evaluated: 2023-12-04. Review status: criteria provided, single submitter. Criteria: ACMG Guidelines, 2015. Collection method: clinical testing. Allele origin: germline.
Comment: This missense variant replaces methionine with threonine at codon 2616 of the ATM protein. Computational prediction is inconclusive regarding the impact of this variant on protein structure and function (internally defined REVEL score threshold 0.5 < inconclusive < 0.7, PMID: 27666373). To our knowledge, functional studies have not been reported for this variant. This variant has not been reported in individuals affected with ATM-related disorders in the literature. This variant has been identified in 2/282308 chromosomes in the general population by the Genome Aggregation Database (gnomAD). The available evidence is insufficient to determine the role of this variant in disease conclusively. Therefore, this variant is classified as a Variant of Uncertain Significance.

Natera, Inc.
Classification: Uncertain significance for Ataxia-telangiectasia. Last evaluated: 2020-08-19. Review status: no assertion criteria provided. Collection method: clinical testing. Allele origin: germline. Not counted in ClinVar's aggregate classification.

NM_000051.4(ATM):c.7847T>C (p.Met2616Thr)

Genes: ATM (ATM serine/threonine kinase; plus strand), C11orf65 (chromosome 11 open reading frame 65; minus strand). Cytogenetic location: 11q22.3.
Variant type: single nucleotide variant.
Coding change: c.7847T>C on transcript NM_000051.4 (MANE Select); coding-DNA position 7847, T replaced by C.
Protein change: p.Met2616Thr; replaces methionine 2616 with threonine.
Molecular consequence: missense variant. On other transcripts: intron variant (2).
Genome position (GRCh38, 1-based): chr11:108,332,820, T>C. VCF-style: chr11-108332820-T-C. GRCh37 (hg19) VCF-style: chr11-108203547-T-C.
Other names: c.7847T>C, p.Met2616Thr (NM_001351834.2); c.641-23749A>G (NM_001330368.2); c.*38+2400A>G (NM_001351110.2); short protein forms M2616T.
Identifiers: ClinVar variation 232313 (VCV000232313.31), dbSNP rs762765902, ClinGen allele CA6266203.